The following is an entry in ClinVar:

NM_024529.5(CDC73):c.404C>G (p.Ala135Gly)

Gene: CDC73 (cell division cycle 73; plus strand). Cytogenetic location: 1q31.2.
Variant type: single nucleotide variant.
Coding change: c.404C>G on transcript NM_024529.5 (MANE Select); coding-DNA position 404, C replaced by G.
Protein change: p.Ala135Gly; replaces alanine 135 with glycine.
Molecular consequence: missense variant.
Genome position (GRCh38, 1-based): chr1:193,135,570, C>G. VCF-style: chr1-193135570-C-G. GRCh37 (hg19) VCF-style: chr1-193104700-C-G.
Other names: c.404C>G (NM_024529.4); short protein forms A135G.
Identifiers: ClinVar variation 1016739 (VCV001016739.12), dbSNP rs1675778193, ClinGen allele CA343960731.

ClinVar aggregate classification (germline): Uncertain significance. Review status: criteria provided, multiple submitters, no conflicts (2 of 4 stars). 2 submissions from 2 submitters: Uncertain significance (2). Last evaluated 2022-12-18.

Conditions:
Hereditary cancer-predisposing syndrome. Also called: Tumor predisposition; Neoplastic Syndromes, Hereditary; Hereditary neoplastic syndrome; Hereditary Cancer Syndrome. Identifiers: Orphanet 140162, MedGen C0027672, MeSH D009386, MONDO:0015356.
Parathyroid carcinoma (PRTC). Also called: CDC73-Related Parathyroid Carcinoma; Parathyroid gland carcinoma. Identifiers: Orphanet 143, MedGen C0687150, MONDO:0012004, OMIM 608266, HP:0006780.

Submissions (2):

Ambry Genetics
Classification: Uncertain significance for Hereditary cancer-predisposing syndrome. Last evaluated: 2022-12-18. Review status: criteria provided, single submitter. Criteria: Ambry Variant Classification Scheme 2023. Collection method: clinical testing. Allele origin: germline.
Comment: The p.A135G variant (also known as c.404C>G), located in coding exon 5 of the CDC73 gene, results from a C to G substitution at nucleotide position 404. The alanine at codon 135 is replaced by glycine, an amino acid with similar properties. This amino acid position is conserved. In addition, the in silico prediction for this alteration is inconclusive. Since supporting evidence is limited at this time, the clinical significance of this alteration remains unclear.

Labcorp Genetics (formerly Invitae), Labcorp
Classification: Uncertain significance for Parathyroid carcinoma. Last evaluated: 2020-02-04. Review status: criteria provided, single submitter. Criteria: Invitae Variant Classification Sherloc (09022015). Collection method: clinical testing. Allele origin: germline.
Comment: This variant is not present in population databases (ExAC no frequency). This sequence change replaces alanine with glycine at codon 135 of the CDC73 protein (p.Ala135Gly). The alanine residue is highly conserved and there is a small physicochemical difference between alanine and glycine. This variant has not been reported in the literature in individuals with CDC73-related conditions. In summary, the available evidence is currently insufficient to determine the role of this variant in disease. Therefore, it has been classified as a Variant of Uncertain Significance. Algorithms developed to predict the effect of missense changes on protein structure and function are either unavailable or do not agree on the potential impact of this missense change (SIFT: "Deleterious"; PolyPhen-2: "Benign"; Align-GVGD: "Class C0").